The following is an entry in ClinVar:

NM_000343.4(SLC5A1):c.594G>A (p.Ala198=)

Gene: SLC5A1 (solute carrier family 5 member 1; plus strand). Cytogenetic location: 22q12.3.
Variant type: single nucleotide variant.
Coding change: c.594G>A on transcript NM_000343.4 (MANE Select); coding-DNA position 594, G replaced by A.
Protein change: p.Ala198=; no amino-acid change (alanine 198 retained).
Molecular consequence: synonymous variant.
Genome position (GRCh38, 1-based): chr22:32,083,084, G>A. VCF-style: chr22-32083084-G-A. GRCh37 (hg19) VCF-style: chr22-32479071-G-A.
Other names: c.213G>A, p.Ala71= (NM_001256314.2).
Identifiers: ClinVar variation 1625593 (VCV001625593.31), dbSNP rs184213779, ClinGen allele CA10198016.

ClinVar aggregate classification (germline): Likely benign. Review status: criteria provided, multiple submitters, no conflicts (2 of 4 stars). 2 submissions from 2 submitters: Likely benign (2). Last evaluated 2025-04-01.

Conditions:
Congenital glucose-galactose malabsorption (GGM). Also called: MONOSACCHARIDE MALABSORPTION; DIARRHEA 16. Identifiers: Orphanet 35710, MedGen C0268186, MONDO:0011731, OMIM 606824.

Allele frequency attached by ClinVar (database versions not stated): 1000 Genomes Project 30x 0.00016; 1000 Genomes Project 0.00020.
gnomAD v4.1: 7 of 1,614,150 alleles (0.00043%); highest among the groups gnomAD compares: East Asian, 0.0067%; no homozygotes.

Submissions (2):

CeGaT Center for Human Genetics Tuebingen
Classification: Likely benign. Last evaluated: 2025-04-01. Review status: criteria provided, single submitter. Criteria: CeGaT Center For Human Genetics Tuebingen Variant Classification Criteria Version 2. Collection method: clinical testing. Allele origin: germline. Affected: yes. Observed: 1 variant allele.
Comment: SLC5A1: BP4, BP7

Labcorp Genetics (formerly Invitae), Labcorp
Classification: Likely benign for Congenital glucose-galactose malabsorption. Last evaluated: 2024-07-24. Review status: criteria provided, single submitter. Criteria: Invitae Variant Classification Sherloc (09022015). Collection method: clinical testing. Allele origin: germline.